The following is an entry in ClinVar:

ClinVar aggregate classification (germline): Conflicting classifications of pathogenicity. Review status: criteria provided, conflicting classifications (1 of 4 stars). 10 submissions from 9 submitters: Uncertain significance (9); Likely benign (1). Last evaluated 2026-02-26.

Conditions:
SOS1-related disorder. Also called: SOS1-related condition.
Noonan syndrome and Noonan-related syndrome. Identifiers: Orphanet 98733, MedGen C5681679, MONDO:0020297.
Cardiovascular phenotype. Identifiers: MedGen CN230736.
RASopathy. Also called: rasopathies; Noonan spectrum disorder. Identifiers: Orphanet 536391, MedGen C5555857, MONDO:0021060.
Noonan syndrome 4 (NS4). Also called: SOS1-Related Noonan Syndrome; NOONAN SYNDROME WITH PIGMENTED VILLONODULAR SYNOVITIS. Identifiers: Orphanet 648, MedGen C1853120, MONDO:0012547, OMIM 610733.
Fibromatosis, gingival, 1 (GINGF1). Identifiers: Orphanet 2024, MedGen C4551558, MONDO:0007609, OMIM 135300.

Allele frequency attached by ClinVar (database versions not stated): TOPMed 0.00003; gnomAD exomes 0.00006 and 0.00001; ESP Exome Variant Server 0.00008; ExAC 0.00001; gnomAD 0.00001.
gnomAD v4.1: 93 of 1,613,624 alleles (0.0058%); highest among the groups gnomAD compares: Non-Finnish European, 0.0074%; no homozygotes.

Submissions (10):

PreventionGenetics, part of Exact Sciences
Classification: Uncertain significance for SOS1-related condition. Last evaluated: 2026-02-26. Review status: criteria provided, single submitter. Criteria: ACMG Guidelines, 2015. Collection method: clinical testing. Allele origin: germline.
Comment: The SOS1 c.3721A>G variant is predicted to result in the amino acid substitution p.Lys1241Glu. This amino acid alteration has been reported as uncertain in an individual with familial tetrology of Fallot (LaHaye et al. 2016. PubMed ID: 27418595). This variant is reported in 0.0018% of alleles in individuals of European (Non-Finnish) descent in gnomAD. At this time, the clinical significance of this variant is uncertain due to the absence of conclusive functional and genetic evidence.

Labcorp Genetics (formerly Invitae), Labcorp
Classification: Likely benign for RASopathy. Last evaluated: 2025-11-09. Review status: criteria provided, single submitter. Criteria: Invitae Variant Classification Sherloc (09022015). Collection method: clinical testing. Allele origin: germline.

Ambry Genetics
Classification: Uncertain significance for Cardiovascular phenotype. Last evaluated: 2024-05-23. Review status: criteria provided, single submitter. Criteria: Ambry Variant Classification Scheme 2023. Collection method: clinical testing. Allele origin: germline.
Comment: The p.K1241E variant (also known as c.3721A>G), located in coding exon 23 of the SOS1 gene, results from an A to G substitution at nucleotide position 3721. The lysine at codon 1241 is replaced by glutamic acid, an amino acid with similar properties. This alteration was reported in an individual with tetralogy of Fallot (LaHaye S et al. Circ Cardiovasc Genet, 2016 Aug;9:320-9). This amino acid position is well conserved in available vertebrate species. In addition, the in silico prediction for this alteration is inconclusive. Based on the available evidence, the clinical significance of this variant remains unclear.

Blueprint Genetics
Classification: Uncertain significance. Last evaluated: 2022-11-07. Review status: criteria provided, single submitter. Criteria: ACMG Guidelines, 2015. Collection method: clinical testing. Allele origin: germline.

Fulgent Genetics
Classification: Uncertain significance for Fibromatosis, gingival, 1; Noonan syndrome 4. Last evaluated: 2021-08-25. Review status: criteria provided, single submitter. Criteria: ACMG Guidelines, 2015. Collection method: clinical testing. Allele origin: unknown.

GeneDx
Classification: Uncertain significance. Last evaluated: 2020-01-21. Review status: criteria provided, single submitter. Criteria: GeneDx Variant Classification Process June 2021. Collection method: clinical testing. Allele origin: germline. Affected: yes.
Comment: The majority of missense variants in this gene are considered pathogenic (Stenson et al., 2014); In silico analysis, which includes protein predictors and evolutionary conservation, supports that this variant does not alter protein structure/function; Has not been previously reported as pathogenic or benign in relation to a Noonan-spectrum disorder to our knowledge; This variant is associated with the following publications: (PMID: 27418595)

Genome Diagnostics Laboratory, The Hospital for Sick Children
Classification: Uncertain significance for Noonan syndrome and Noonan-related syndrome. Last evaluated: 2016-12-12. Review status: criteria provided, single submitter. Criteria: ACMG Guidelines, 2015. Collection method: clinical testing. Allele origin: germline.

Laboratory for Molecular Medicine, Mass General Brigham Personalized Medicine
Classification: Uncertain significance. Last evaluated: 2009-08-26. Review status: criteria provided, single submitter. Criteria: LMM Criteria. Collection method: clinical testing. Allele origin: germline. Observed: 1 variant allele.

Genome-Nilou Lab
Classification: Uncertain significance for Noonan syndrome 4. Review status: criteria provided, single submitter. Criteria: ACMG Guidelines, 2015. Collection method: clinical testing. Allele origin: germline.

Genome-Nilou Lab
Classification: Uncertain significance for Fibromatosis, gingival, 1. Review status: criteria provided, single submitter. Criteria: ACMG Guidelines, 2015. Collection method: clinical testing. Allele origin: germline.

Literature cited by the submitters: PubMed 27418595 (cited by Ambry Genetics).

NM_005633.4(SOS1):c.3721A>G (p.Lys1241Glu)

Gene: SOS1 (SOS Ras/Rac guanine nucleotide exchange factor 1; minus strand). Cytogenetic location: 2p22.1.
Variant type: single nucleotide variant.
Coding change: c.3721A>G on transcript NM_005633.4 (MANE Select); coding-DNA position 3721, A replaced by G.
Protein change: p.Lys1241Glu; replaces lysine 1241 with glutamic acid.
Molecular consequence: missense variant.
Genome position (GRCh38, 1-based): chr2:38,986,105, T>C on the plus strand (A>G on the coding strand, the complement: SOS1 is on the minus strand). VCF-style: chr2-38986105-T-C. GRCh37 (hg19) VCF-style: chr2-39213246-T-C.
Other names: p.K1241E:AAA>GAA; c.3700A>G, p.Lys1234Glu (NM_001382394.1); c.3676A>G, p.Lys1226Glu (NM_001382395.1); short protein forms K1241E, K1226E, K1234E.
Identifiers: ClinVar variation 45368 (VCV000045368.23), dbSNP rs367693130, ClinGen allele CA136152.